The following is an entry in ClinVar:

ClinVar aggregate classification (germline): Uncertain significance (1 of 4 stars; one submission).

Conditions:
Congenital myasthenic syndrome 12 (CMS12). Also called: MYASTHENIC SYNDROME, CONGENITAL, WITH TUBULAR AGGREGATES 1; Myasthenia, congenital, 12, with tubular aggregates. Identifiers: Orphanet 353327, Orphanet 590, MedGen C3552335, MONDO:0012518, OMIM 610542.

Submission:

Labcorp Genetics (formerly Invitae), Labcorp
Classification: Uncertain significance for Congenital myasthenic syndrome 12. Last evaluated: 2026-01-15. Review status: criteria provided, single submitter. Criteria: Invitae Variant Classification Sherloc (09022015). Collection method: clinical testing. Allele origin: germline.
Comment: This sequence change replaces tryptophan, which is neutral and slightly polar, with leucine, which is neutral and non-polar, at codon 240 of the GFPT1 protein (p.Trp240Leu). This variant is not present in population databases (gnomAD no frequency). This variant has not been reported in the literature in individuals affected with GFPT1-related conditions. An algorithm developed to predict the effect of missense changes on protein structure and function (PolyPhen-2) suggests that this variant is likely to be tolerated. In summary, the available evidence is currently insufficient to determine the role of this variant in disease. Therefore, it has been classified as a Variant of Uncertain Significance.

NM_001244710.2(GFPT1):c.719G>T (p.Trp240Leu)

Gene: GFPT1 (glutamine--fructose-6-phosphate transaminase 1; minus strand). Cytogenetic location: 2p13.3.
Variant type: single nucleotide variant.
Coding change: c.719G>T on transcript NM_001244710.2 (MANE Select); coding-DNA position 719, G replaced by T.
Protein change: p.Trp240Leu; replaces tryptophan 240 with leucine.
Molecular consequence: missense variant. On other transcripts: intron variant (1).
Genome position (GRCh38, 1-based): chr2:69,354,279, C>A on the plus strand (G>T on the coding strand, the complement: GFPT1 is on the minus strand). VCF-style: chr2-69354279-C-A. GRCh37 (hg19) VCF-style: chr2-69581411-C-A.
Other names: c.685+210G>T (NM_002056.4); short protein forms W240L.
Identifiers: ClinVar variation 4729913 (VCV004729913.1).